The following is an entry in ClinVar:

NM_002547.3(OPHN1):c.797C>A (p.Pro266Gln)

Gene: OPHN1 (oligophrenin 1; minus strand). Cytogenetic location: Xq12.
Variant type: single nucleotide variant.
Coding change: c.797C>A on transcript NM_002547.3 (MANE Select); coding-DNA position 797, C replaced by A.
Protein change: p.Pro266Gln; replaces proline 266 with glutamine.
Molecular consequence: missense variant.
Genome position (GRCh38, 1-based): chrX:68,210,188, G>T on the plus strand (C>A on the coding strand, the complement: OPHN1 is on the minus strand). VCF-style: chrX-68210188-G-T. GRCh37 (hg19) VCF-style: chrX-67430030-G-T.
Other names: short protein forms P266Q.
Identifiers: ClinVar variation 3633114 (VCV003633114.2).

ClinVar aggregate classification (germline): Uncertain significance (1 of 4 stars; one submission).

Submission:

Labcorp Genetics (formerly Invitae), Labcorp
Classification: Uncertain significance. Last evaluated: 2024-02-13. Review status: criteria provided, single submitter. Criteria: Invitae Variant Classification Sherloc (09022015). Collection method: clinical testing. Allele origin: germline.
Comment: This sequence change replaces proline, which is neutral and non-polar, with glutamine, which is neutral and polar, at codon 266 of the OPHN1 protein (p.Pro266Gln). This variant is not present in population databases (gnomAD no frequency). This variant has not been reported in the literature in individuals affected with OPHN1-related conditions. An algorithm developed to predict the effect of missense changes on protein structure and function (PolyPhen-2) suggests that this variant is likely to be tolerated. In summary, the available evidence is currently insufficient to determine the role of this variant in disease. Therefore, it has been classified as a Variant of Uncertain Significance.